The following is an entry in ClinVar:

ClinVar aggregate classification (germline): Uncertain significance (1 of 4 stars; one submission).

gnomAD v4.1: 5 of 1,613,106 alleles (0.00031%); highest among the groups gnomAD compares: African/African-American, 0.0013%; no homozygotes.

Submission:

GeneDx
Classification: Uncertain significance. Last evaluated: 2025-03-04. Review status: criteria provided, single submitter. Criteria: GeneDx Variant Classification Process June 2021. Collection method: clinical testing. Allele origin: germline. Affected: yes.
Comment: Not observed at significant frequency in large population cohorts (gnomAD); In silico analysis supports that this missense variant has a deleterious effect on protein structure/function; Has not been previously published as pathogenic or benign to our knowledge

NM_000168.6(GLI3):c.1939C>T (p.His647Tyr)

Gene: GLI3 (GLI family zinc finger 3; minus strand). Cytogenetic location: 7p14.1.
Variant type: single nucleotide variant.
Coding change: c.1939C>T on transcript NM_000168.6 (MANE Select); coding-DNA position 1939, C replaced by T.
Protein change: p.His647Tyr; replaces histidine 647 with tyrosine.
Molecular consequence: missense variant.
Genome position (GRCh38, 1-based): chr7:41,972,501, G>A on the plus strand (C>T on the coding strand, the complement: GLI3 is on the minus strand). VCF-style: chr7-41972501-G-A. GRCh37 (hg19) VCF-style: chr7-42012100-G-A.
Other names: short protein forms H647Y.
Identifiers: ClinVar variation 4082634 (VCV004082634.1).